The following is an entry in ClinVar:

NM_017617.5(NOTCH1):c.2779A>G (p.Asn927Asp)

Gene: NOTCH1 (notch receptor 1; minus strand). Cytogenetic location: 9q34.3.
Variant type: single nucleotide variant.
Coding change: c.2779A>G on transcript NM_017617.5 (MANE Select); coding-DNA position 2779, A replaced by G.
Protein change: p.Asn927Asp; replaces asparagine 927 with aspartic acid.
Molecular consequence: missense variant.
Genome position (GRCh38, 1-based): chr9:136,509,923, T>C on the plus strand (A>G on the coding strand, the complement: NOTCH1 is on the minus strand). VCF-style: chr9-136509923-T-C. GRCh37 (hg19) VCF-style: chr9-139404375-T-C.
Other names: short protein forms N927D.
Identifiers: ClinVar variation 5003132 (VCV005003132.1).

ClinVar aggregate classification (germline): Uncertain significance (1 of 4 stars; one submission).

Conditions:
Adams-Oliver syndrome 5 (AOS5). Identifiers: Orphanet 974, MedGen C4014970, MONDO:0014459, OMIM 616028.

Submission:

OLLIN Analises Genomicas, OLLIN
Classification: Uncertain significance for Adams-Oliver syndrome 5. Last evaluated: 2026-08-06. Review status: criteria provided, single submitter. Criteria: ACMG Guidelines 2015 PMID 25741868. Collection method: clinical testing. Allele origin: germline. Inheritance: Autosomal dominant inheritance.
Comment: This missense variant, located in exon 18 (of 34), has been observed in gnomAD with an allele frequency of 0.000062%, but has not been reported in ClinVar or identified in the literature. In silico analysis is inconclusive regarding the impact of this variant. According to the currently available evidence, this variant has been classified as uncertain significance (PM2_P).